The following is an entry in ClinVar:

NM_007294.4(BRCA1):c.5418A>T (p.Pro1806=)

Gene: BRCA1 (BRCA1 DNA repair associated; minus strand). Cytogenetic location: 17q21.31.
Variant type: single nucleotide variant.
Coding change: c.5418A>T on transcript NM_007294.4 (MANE Select); coding-DNA position 5418, A replaced by T.
Protein change: p.Pro1806=; no amino-acid change (proline 1806 retained).
Molecular consequence: synonymous variant. On other transcripts: missense variant (17).
Genome position (GRCh38, 1-based): chr17:43,047,692, T>A on the plus strand (A>T on the coding strand, the complement: BRCA1 is on the minus strand). VCF-style: chr17-43047692-T-A. GRCh37 (hg19) VCF-style: chr17-41199709-T-A.
Other names: c.5481A>T, p.Pro1827= (NM_007300.4, NM_001407583.1, NM_001407585.1 and 1 more transcripts); c.2106A>T, p.Pro702= (NM_007304.2, NM_001407979.1, NM_001407980.1 and 11 more transcripts); c.5205A>T, p.Pro1735= (NM_001407571.1, NM_001407894.1, NM_001407895.1 and 12 more transcripts); c.5484A>T, p.Pro1828= (NM_001407581.1, NM_001407582.1); c.5478A>T, p.Pro1826= (NM_001407590.1, NM_001407591.1); c.5418A>T, p.Pro1806= (NM_001407593.1, NM_001407594.1, NM_001407596.1 and 5 more transcripts); c.5415A>T, p.Pro1805= (NM_001407610.1, NM_001407611.1, NM_001407612.1 and 14 more transcripts); c.5412A>T, p.Pro1804= (NM_001407627.1, NM_001407628.1, NM_001407629.1 and 13 more transcripts); and 83 more; short protein forms N678Y, N1735Y, N1740Y, N1781Y, N1739Y, N677Y, N1780Y, N1782Y.
Identifiers: ClinVar variation 868475 (VCV000868475.3), dbSNP rs1555574766, ClinGen allele CA10590618.
Genomic context (GRCh38, chr17:43,047,692, plus strand): 5'-AGGCACCTTACCATGGAAGCCATTGTCCTCTGTCCAGGCATCTGGCTGCACAACCACAAT[T>A]GGGTGGACACCCTGGATCCCCAGGAAGGAAAGAGCATTCAAAGTGTCAAAGTAGGACTAC-3'
Protein context (NP_009225.1, residues 1796-1816): SSFTLGTGVH[Pro1806=]IVVVQPDAWT

Conditions:
Breast-ovarian cancer, familial, susceptibility to, 1 (BROVCA1). Also called: BRCA1 Hereditary Breast and Ovarian Cancer; OVARIAN CANCER, SUSCEPTIBILITY TO. Identifiers: Orphanet 145, MedGen C2676676, MONDO:0011450, OMIM 604370. Disease mechanism: loss of function.

Submission:

Brotman Baty Institute, University of Washington
No classification provided (evidence only). Condition: Breast-ovarian cancer, familial 1. Review status: no classification provided. Collection method: in vitro. Allele origin: not applicable. Functional consequence: functionally_normal.
ClinVar note: "not provided" was previously submitted as the classification for the variant. However, the classification appeared to be based only on an observation of functional data so it was converted to no classification on 2025-07-30.